The following is an entry in ClinVar:

ClinVar aggregate classification (germline): Conflicting classifications of pathogenicity. Review status: criteria provided, conflicting classifications (1 of 4 stars). 9 submissions from 9 submitters: Uncertain significance (5); Likely benign (4). Last evaluated 2026-01-26.

Conditions:
Inborn genetic diseases. Identifiers: MedGen C0950123, MeSH D030342.
Muscular dystrophy-dystroglycanopathy type B6 (MDDGB6). Also called: MUSCULAR DYSTROPHY, CONGENITAL, LARGE-RELATED; MUSCULAR DYSTROPHY, CONGENITAL, TYPE 1D; MUSCULAR DYSTROPHY-DYSTROGLYCANOPATHY (CONGENITAL WITH IMPAIRED INTELLECTUAL DEVELOPMENT), TYPE B, 6. Identifiers: MedGen C1837229, MONDO:0012138, OMIM 608840.

Allele frequency attached by ClinVar (database versions not stated): 1000 Genomes Project 30x 0.00016; 1000 Genomes Project 0.00020; gnomAD 0.00027 and 0.00032; ESP Exome Variant Server 0.00031; TOPMed 0.00035; ExAC 0.00051; gnomAD exomes 0.00058.
gnomAD v4.1: 886 of 1,614,114 alleles (0.055%); highest among the groups gnomAD compares: Middle Eastern, 0.23%; 1 homozygote.

Submissions (9):

Labcorp Genetics (formerly Invitae), Labcorp
Classification: Likely benign for Muscular dystrophy-dystroglycanopathy type B6. Last evaluated: 2026-01-26. Review status: criteria provided, single submitter. Criteria: Invitae Variant Classification Sherloc (09022015). Collection method: clinical testing. Allele origin: germline.

Blueprint Genetics
Classification: Likely benign. Last evaluated: 2024-11-27. Review status: criteria provided, single submitter. Criteria: ACMG Guidelines, 2015. Collection method: clinical testing. Allele origin: germline.

Revvity Omics, Revvity
Classification: Uncertain significance. Last evaluated: 2024-05-17. Review status: criteria provided, single submitter. Criteria: ACMG Guidelines, 2015. Collection method: clinical testing. Allele origin: germline.

Women's Health and Genetics/Laboratory Corporation of America, LabCorp
Classification: Uncertain significance. Last evaluated: 2023-10-12. Review status: criteria provided, single submitter. Criteria: LabCorp Variant Classification Summary - May 2015. Collection method: clinical testing. Allele origin: germline.
Comment: Variant summary: LARGE1 c.391G>A (p.Val131Ile) results in a conservative amino acid change in the encoded protein sequence. Five of five in-silico tools predict a benign effect of the variant on protein function. The variant allele was found at a frequency of 0.00063 in 254490 control chromosomes in the gnomAD database, including 1 homozygotes. c.391G>A has been reported in the literature in an individual affected with Muscular dystrophy-dystroglycanopathy (congenital with brain and eye anomalies), type A who carried a second variant of uncertain significance in the compound heterozygous state. These data do not allow any conclusion about variant significance. To our knowledge, no experimental evidence demonstrating an impact on protein function has been reported. Seven submitters have cited clinical-significance assessments for this variant to ClinVar after 2014. Multiple submitters reported the variant with conflicting assessments including four VUS and three likely benign classifications. Based on the evidence outlined above, the variant was classified as uncertain significance.

Ambry Genetics
Classification: Likely benign for Inborn genetic diseases. Last evaluated: 2021-06-06. Review status: criteria provided, single submitter. Criteria: Ambry Variant Classification Scheme 2023. Collection method: clinical testing. Allele origin: germline.

GeneDx
Classification: Likely benign. Last evaluated: 2020-01-06. Review status: criteria provided, single submitter. Criteria: GeneDx Variant Classification Process June 2021. Collection method: clinical testing. Allele origin: germline. Affected: yes.
Comment: This variant is associated with the following publications: (PMID: 28454995)

Mayo Clinic Laboratories, Mayo Clinic
Classification: Uncertain significance. Last evaluated: 2019-04-17. Review status: criteria provided, single submitter. Criteria: ACMG Guidelines, 2015. Collection method: clinical testing. Allele origin: germline. Observed: 2 variant alleles.

Athena Diagnostics
Classification: Uncertain significance. Last evaluated: 2017-02-03. Review status: criteria provided, single submitter. Criteria: Athena Diagnostics Criteria. Collection method: clinical testing. Allele origin: germline.

Eurofins Ntd Llc (ga)
Classification: Uncertain significance. Last evaluated: 2016-01-15. Review status: criteria provided, single submitter. Criteria: EGL Classification Definitions 2015. Collection method: clinical testing. Allele origin: germline. Observed: 4 variant alleles, 4 heterozygotes.

Literature cited by the submitters: PubMed 28454995 (cited by Women's Health and Genetics/Laboratory Corporation of America, LabCorp); PubMed 34426522 (cited by Women's Health and Genetics/Laboratory Corporation of America, LabCorp).

NM_133642.5(LARGE1):c.391G>A (p.Val131Ile)

Gene: LARGE1 (LARGE xylosyl- and glucuronyltransferase 1; minus strand). Cytogenetic location: 22q12.3.
Variant type: single nucleotide variant.
Coding change: c.391G>A on transcript NM_133642.5 (MANE Select); coding-DNA position 391, G replaced by A.
Protein change: p.Val131Ile; replaces valine 131 with isoleucine.
Molecular consequence: missense variant.
Genome position (GRCh38, 1-based): chr22:33,650,384, C>T on the plus strand (G>A on the coding strand, the complement: LARGE1 is on the minus strand). VCF-style: chr22-33650384-C-T. GRCh37 (hg19) VCF-style: chr22-34046370-C-T.
Other names: c.391G>A, p.Val131Ile (NM_001362949.2, NM_001362951.2, NM_001362953.2 and 7 more transcripts); c.391G>A (NM_004737.6); short protein forms V131I.
Identifiers: ClinVar variation 197242 (VCV000197242.28), dbSNP rs56239539, ClinGen allele CA245260.